The following is an entry in ClinVar:

NM_001972.4(ELANE):c.520G>A (p.Val174Met)

Gene: ELANE (elastase, neutrophil expressed; plus strand). Cytogenetic location: 19p13.3.
Variant type: single nucleotide variant.
Coding change: c.520G>A on transcript NM_001972.4 (MANE Select); coding-DNA position 520, G replaced by A.
Protein change: p.Val174Met; replaces valine 174 with methionine.
Molecular consequence: missense variant.
Genome position (GRCh38, 1-based): chr19:855,717, G>A. VCF-style: chr19-855717-G-A. GRCh37 (hg19) VCF-style: chr19-855717-G-A.
Other names: c.520G>A (NM_001972.2); short protein forms V174M.
Identifiers: ClinVar variation 1521652 (VCV001521652.9), dbSNP rs1380068567, ClinGen allele CA402918501.

ClinVar aggregate classification (germline): Uncertain significance. Review status: criteria provided, multiple submitters, no conflicts (2 of 4 stars). 2 submissions from 2 submitters: Uncertain significance (2). Last evaluated 2025-10-07.

Conditions:
Cyclical neutropenia. Also called: Cyclic hematopoiesis; Cyclic Neutropenia. Identifiers: Orphanet 2686, MedGen C0221023, MONDO:0008090, OMIM 162800, HP:0040289. Disease mechanism: loss of function.
Neutropenia, severe congenital, 1, autosomal dominant. Identifiers: MedGen C1859966, MONDO:0042490, OMIM 202700.
Inborn genetic diseases. Identifiers: MedGen C0950123, MeSH D030342.

Allele frequency attached by ClinVar (database versions not stated): gnomAD 0.00001; gnomAD exomes 0.00001; TOPMed 0.00001.
gnomAD v4.1: 12 of 1,609,674 alleles (0.00075%); highest among the groups gnomAD compares: Non-Finnish European, 0.001%; no homozygotes.

Submissions (2):

Labcorp Genetics (formerly Invitae), Labcorp
Classification: Uncertain significance for Neutropenia, severe congenital, 1, autosomal dominant; Cyclical neutropenia. Last evaluated: 2025-10-07. Review status: criteria provided, single submitter. Criteria: Invitae Variant Classification Sherloc (09022015). Collection method: clinical testing. Allele origin: germline.
Comment: This sequence change replaces valine, which is neutral and non-polar, with methionine, which is neutral and non-polar, at codon 174 of the ELANE protein (p.Val174Met). This variant is not present in population databases (gnomAD no frequency). This variant has not been reported in the literature in individuals affected with ELANE-related conditions. ClinVar contains an entry for this variant (Variation ID: 1521652). Invitae Evidence Modeling of protein sequence and biophysical properties (such as structural, functional, and spatial information, amino acid conservation, physicochemical variation, residue mobility, and thermodynamic stability) has been performed for this missense variant. However, the output from this modeling did not meet the statistical confidence thresholds required to predict the impact of this variant on ELANE protein function. In summary, the available evidence is currently insufficient to determine the role of this variant in disease. Therefore, it has been classified as a Variant of Uncertain Significance.

Ambry Genetics
Classification: Uncertain significance for Inborn genetic diseases. Last evaluated: 2025-02-22. Review status: criteria provided, single submitter. Criteria: Ambry Variant Classification Scheme 2023. Collection method: clinical testing. Allele origin: germline.
Comment: The p.V174M variant (also known as c.520G>A), located in coding exon 4 of the ELANE gene, results from a G to A substitution at nucleotide position 520. The valine at codon 174 is replaced by methionine, an amino acid with highly similar properties. This amino acid position is conserved. In addition, the in silico prediction for this alteration is inconclusive. Based on the available evidence, the clinical significance of this variant remains unclear.